The following is an entry in ClinVar:

ClinVar aggregate classification (germline): Benign (1 of 4 stars; one submission).

Conditions:
Leigh syndrome (NULS). Also called: Leigh's necrotizing encephalopathy; Leigh's disease; Leigh's syndrome; LEIGH SYNDROME, NUCLEAR; Leigh Syndrome (mtDNA deletion); Leigh Disease. Identifiers: Orphanet 506, MedGen C2931891, MONDO:0009723, OMIM 256000.

Submission:

Wong Mito Lab, Molecular and Human Genetics, Baylor College of Medicine
Classification: Benign for Leigh syndrome. Last evaluated: 2019-10-17. Review status: criteria provided, single submitter. Criteria: Modified ACMG Guidelines (Unpublished). Collection method: clinical testing. Allele origin: germline.
Comment: The NC_012920.1:m.14514T>C (YP_003024037.1:p.Met54Val) variant in MTND6 gene is interpretated to be a Benign variant based on the modified ACMG guidelines (unpublished). This variant meets the following evidence codes: BS1, BS4, BP4

NC_012920.1(MT-ND6):m.14514T>C

Gene: MT-ND6 (mitochondrially encoded NADH dehydrogenase 6; minus strand).
Variant type: single nucleotide variant.
Genome position: chrM-14514-T-C.
Identifiers: ClinVar variation 693730 (VCV000693730.1), dbSNP rs1603224772, ClinGen allele CA414822830.